The following is an entry in ClinVar:

ClinVar aggregate classification (germline): Likely benign (1 of 4 stars; one submission).

Conditions:
GRN-related disorder. Also called: GRN-related condition; GRN-related disorders.

Submission:

PreventionGenetics, part of Exact Sciences
Classification: Likely benign for GRN-related condition. Last evaluated: 2026-09-26. Review status: criteria provided, single submitter. Criteria: ACMG Guidelines, 2015. Collection method: clinical testing. Allele origin: germline.
Comment: This variant is classified as likely benign based on ACMG/AMP sequence variant interpretation guidelines (Richards et al. 2015 PMID: 25741868, with internal and published modifications).

NM_002087.4(GRN):c.835+8A>C

Gene: GRN (granulin precursor; plus strand). Cytogenetic location: 17q21.31.
Variant type: single nucleotide variant.
Coding change: c.835+8A>C on transcript NM_002087.4 (MANE Select); 8 bases into the intron after coding-DNA position 835, A replaced by C.
Molecular consequence: intron variant.
Genome position (GRCh38, 1-based): chr17:44,351,171, A>C. VCF-style: chr17-44351171-A-C. GRCh37 (hg19) VCF-style: chr17-42428539-A-C.
Identifiers: ClinVar variation 4992056 (VCV004992056.1).